The following is an entry in ClinVar:

ClinVar aggregate classification (germline): Likely pathogenic (1 of 4 stars; one submission).

Submission:

GeneDx
Classification: Likely pathogenic. Last evaluated: 2021-09-13. Review status: criteria provided, single submitter. Criteria: GeneDx Variant Classification Process June 2021. Collection method: clinical testing. Allele origin: germline. Affected: yes.
Comment: Frameshift variant predicted to result in protein truncation or nonsense mediated decay in a gene for which loss-of-function is a known mechanism of disease; Not observed at significant frequency in large population cohorts (Lek et al., 2016); Has not been previously published as pathogenic or benign to our knowledge

NM_000942.5(PPIB):c.243_244delinsC (p.Gly82fs)

Gene: PPIB (peptidylprolyl isomerase B; minus strand). Cytogenetic location: 15q22.31.
Variant type: Indel.
Coding change: c.243_244delinsC on transcript NM_000942.5 (MANE Select); coding-DNA positions 243 to 244, AG replaced by C.
Protein change: p.Gly82fs; shifts the reading frame from glycine 82.
Molecular consequence: frameshift variant.
Genome position (GRCh38, 1-based): chr15:64,162,046-64,162,047, CT replaced by G on the plus strand (AG replaced by C on the coding strand, the reverse complement: PPIB is on the minus strand). VCF-style: chr15-64162046-CT-G. GRCh37 (hg19) VCF-style: chr15-64454245-CT-G.
Other names: short protein forms G82fs.
Identifiers: ClinVar variation 1300581 (VCV001300581.2), dbSNP rs2140184247, ClinGen allele CA2573054062.